The following is an entry in ClinVar:

NM_001211.6(BUB1B):c.1760T>G (p.Leu587Trp)

Gene: BUB1B (BUB1 mitotic checkpoint serine/threonine kinase B; plus strand). Cytogenetic location: 15q15.1.
Variant type: single nucleotide variant.
Coding change: c.1760T>G on transcript NM_001211.6 (MANE Select); coding-DNA position 1760, T replaced by G.
Protein change: p.Leu587Trp; replaces leucine 587 with tryptophan.
Molecular consequence: missense variant.
Genome position (GRCh38, 1-based): chr15:40,206,209, T>G. VCF-style: chr15-40206209-T-G. GRCh37 (hg19) VCF-style: chr15-40498410-T-G.
Other names: short protein forms L587W.
Identifiers: ClinVar variation 2777750 (VCV002777750.3), dbSNP rs2542564650, ClinGen allele CA391692239.

ClinVar aggregate classification (germline): Uncertain significance (1 of 4 stars; one submission).

Conditions:
Mosaic variegated aneuploidy syndrome 1 (MVA1). Also called: Warburton-Anyane-Yeboa syndrome. Identifiers: Orphanet 1052, MedGen C1850343, MONDO:0009759, OMIM 257300.

Submission:

Labcorp Genetics (formerly Invitae), Labcorp
Classification: Uncertain significance for Mosaic variegated aneuploidy syndrome 1. Last evaluated: 2025-11-03. Review status: criteria provided, single submitter. Criteria: Invitae Variant Classification Sherloc (09022015). Collection method: clinical testing. Allele origin: germline.
Comment: This sequence change replaces leucine, which is neutral and non-polar, with tryptophan, which is neutral and slightly polar, at codon 587 of the BUB1B protein (p.Leu587Trp). This variant is not present in population databases (gnomAD no frequency). This variant has not been reported in the literature in individuals affected with BUB1B-related conditions. ClinVar contains an entry for this variant (Variation ID: 2777750). An algorithm developed to predict the effect of missense changes on protein structure and function (PolyPhen-2) suggests that this variant is likely to be disruptive. In summary, the available evidence is currently insufficient to determine the role of this variant in disease. Therefore, it has been classified as a Variant of Uncertain Significance.